The following is an entry in ClinVar:

NM_000440.3(PDE6A):c.1630C>T (p.Arg544Trp)

Gene: PDE6A (phosphodiesterase 6A; minus strand). Cytogenetic location: 5q32.
Variant type: single nucleotide variant.
Coding change: c.1630C>T on transcript NM_000440.3 (MANE Select); coding-DNA position 1630, C replaced by T.
Protein change: p.Arg544Trp; replaces arginine 544 with tryptophan.
Molecular consequence: missense variant.
Genome position (GRCh38, 1-based): chr5:149,895,281, G>A on the plus strand (C>T on the coding strand, the complement: PDE6A is on the minus strand). VCF-style: chr5-149895281-G-A. GRCh37 (hg19) VCF-style: chr5-149274844-G-A.
Other names: short protein forms R544W.
Identifiers: ClinVar variation 437982 (VCV000437982.18), dbSNP rs144484128, ClinGen allele CA3504607.

ClinVar aggregate classification (germline): Pathogenic/Likely pathogenic. Review status: criteria provided, multiple submitters, no conflicts (2 of 4 stars). 6 submissions from 6 submitters: Pathogenic (2); Likely pathogenic (3). 1 of the submissions does not count toward it. Last evaluated 2026-09-11.

Conditions:
Retinitis pigmentosa 43 (RP43). Identifiers: Orphanet 791, MedGen C3151139, MONDO:0013437, OMIM 613810.
Retinal disorder. Also called: Retinal disorders; Retinopathies; Retinal Diseases; Retinopathy. Identifiers: MedGen C0035309, MONDO:0005283, HP:0000488.
Retinitis pigmentosa (RP). Identifiers: Orphanet 791, MedGen C0035334, MeSH D012174, MONDO:0019200, OMIM 268000. Inheritance: Autosomal dominant, autosomal recessive and X linked inheritance.
PDE6A-related disorder. Also called: PDE6A-related condition.

Allele frequency attached by ClinVar (database versions not stated): gnomAD exomes 0.00005 and 0.00001; TOPMed 0.00003; ExAC 0.00001; gnomAD 0.00001; ESP Exome Variant Server 0.00008.
gnomAD v4.1: 76 of 1,611,102 alleles (0.0047%); highest among the groups gnomAD compares: Non-Finnish European, 0.006%; no homozygotes.

Submissions (6):

Genetics Laboratory, Great Ormond Street Hospital NHS Foundation Trust, North Thames Genomic Laboratory Hub
Classification: Likely pathogenic for Retinal disorders. Last evaluated: 2026-09-11. Review status: criteria provided, single submitter. Criteria: ACGS Best Practice Guidelines for Variant Classification in Rare Disease 2024 v1.2. Collection method: clinical testing. Allele origin: germline. Affected: yes.
Comment: PM2_moderate, PP3_supporting, PP1_moderate, PM3_moderate

Labcorp Genetics (formerly Invitae), Labcorp
Classification: Pathogenic. Last evaluated: 2025-11-25. Review status: criteria provided, single submitter. Criteria: Invitae Variant Classification Sherloc (09022015). Collection method: clinical testing. Allele origin: germline.
Comment: This sequence change replaces arginine, which is basic and polar, with tryptophan, which is neutral and slightly polar, at codon 544 of the PDE6A protein (p.Arg544Trp). This variant is present in population databases (rs144484128, gnomAD 0.007%). This missense change has been observed in individuals with clinical features of retinitis pigmentosa (PMID: 23134348, 28041643; internal data). ClinVar contains an entry for this variant (Variation ID: 437982). Invitae Evidence Modeling of protein sequence and biophysical properties (such as structural, functional, and spatial information, amino acid conservation, physicochemical variation, residue mobility, and thermodynamic stability) indicates that this missense variant is expected to disrupt PDE6A protein function with a positive predictive value of 95%. For these reasons, this variant has been classified as Pathogenic.

Fulgent Genetics
Classification: Likely pathogenic for Retinitis pigmentosa 43. Last evaluated: 2024-02-10. Review status: criteria provided, single submitter. Criteria: ACMG Guidelines, 2015. Collection method: clinical testing. Allele origin: germline.

Blueprint Genetics
Classification: Pathogenic for PDE6A-related disorders. Last evaluated: 2021-10-27. Review status: criteria provided, single submitter. Criteria: ACMG Guidelines, 2015. Collection method: clinical testing. Allele origin: germline. Affected: yes. Observed: 5 variant alleles.

Institute of Medical Genetics and Applied Genomics, University Hospital Tübingen
Classification: Likely pathogenic. Last evaluated: 2021-09-15. Review status: criteria provided, single submitter. Criteria: ACMG Guidelines, 2015. Collection method: clinical testing. Allele origin: germline. Inheritance: Autosomal recessive inheritance. Affected: yes.

NIHR Bioresource Rare Diseases, University of Cambridge
Classification: Likely pathogenic for Retinitis pigmentosa. Last evaluated: 2015-01-01. Review status: no assertion criteria provided. Collection method: research. Allele origin: unknown. Affected: yes. Observed: 2 variant alleles. Not counted in ClinVar's aggregate classification.

Literature cited by the submitters: PubMed 23134348 (cited by Labcorp Genetics (formerly Invitae), Labcorp and NIHR Bioresource Rare Diseases, University of Cambridge); PubMed 28041643 (cited by Labcorp Genetics (formerly Invitae), Labcorp and NIHR Bioresource Rare Diseases, University of Cambridge).